The following is an entry in ClinVar:

ClinVar aggregate classification (germline): Likely benign. Review status: criteria provided, multiple submitters, no conflicts (2 of 4 stars). 2 submissions from 2 submitters: Likely benign (2). Last evaluated 2025-07-01.

Allele frequency attached by ClinVar (database versions not stated): 1000 Genomes Project 30x 0.00016; 1000 Genomes Project 0.00020; ExAC 0.00021; gnomAD exomes 0.00021; gnomAD 0.00028; TOPMed 0.00029; ESP Exome Variant Server 0.00074.
gnomAD v4.1: 724 of 1,614,166 alleles (0.045%); highest among the groups gnomAD compares: Non-Finnish European, 0.057%; no homozygotes.

Submissions (2):

CeGaT Center for Human Genetics Tuebingen
Classification: Likely benign. Last evaluated: 2025-07-01. Review status: criteria provided, single submitter. Criteria: CeGaT Center For Human Genetics Tuebingen Variant Classification Criteria Version 2. Collection method: clinical testing. Allele origin: germline. Affected: yes. Observed: 1 variant allele.
Comment: TPR: BP4, BP7

Labcorp Genetics (formerly Invitae), Labcorp
Classification: Likely benign. Last evaluated: 2018-05-30. Review status: criteria provided, single submitter. Criteria: Invitae Variant Classification Sherloc (09022015). Collection method: clinical testing. Allele origin: germline.

NM_003292.3(TPR):c.1941A>G (p.Thr647=)

Genes: TPR (translocated promoter region, nuclear basket protein; minus strand), LOC126805955 (BRD4-independent group 4 enhancer GRCh37_chr1:186323778-186324977; plus strand). Cytogenetic location: 1q31.1.
Variant type: single nucleotide variant.
Coding change: c.1941A>G on transcript NM_003292.3 (MANE Select); coding-DNA position 1941, A replaced by G.
Protein change: p.Thr647=; no amino-acid change (threonine 647 retained).
Molecular consequence: synonymous variant.
Genome position (GRCh38, 1-based): chr1:186,355,716, T>C on the plus strand (A>G on the coding strand, the complement: TPR is on the minus strand). VCF-style: chr1-186355716-T-C. GRCh37 (hg19) VCF-style: chr1-186324848-T-C.
Identifiers: ClinVar variation 748542 (VCV000748542.11), dbSNP rs41308409, ClinGen allele CA1298185.